The following is an entry in ClinVar:

ClinVar aggregate classification (germline): Uncertain significance. Review status: criteria provided, multiple submitters, no conflicts (2 of 4 stars). 2 submissions from 2 submitters: Uncertain significance (2). Last evaluated 2025-12-10.

Conditions:
Hereditary spastic paraplegia 39 (SPG39). Also called: SPASTIC PARAPLEGIA 39, AUTOSOMAL RECESSIVE; Spastic Paraplegia Type 39 (SPG39). Identifiers: Orphanet 139480, MedGen C2677586, MONDO:0012787, OMIM 612020.
PNPLA6-related disorder. Also called: PNPLA6-related disorders; PNPLA6-related condition.

gnomAD v4.1: 2 of 1,609,106 alleles (0.00012%); highest among the groups gnomAD compares: Non-Finnish European, 0.00017%; no homozygotes.

Submissions (2):

3billion
Classification: Uncertain significance for PNPLA6-related disorder. Last evaluated: 2025-12-10. Review status: criteria provided, single submitter. Criteria: ACMG Guidelines, 2015. Collection method: clinical testing. Allele origin: germline. Affected: yes.
Comment: The variant is observed at an extremely low frequency in the gnomAD v4.1.0 dataset (total allele frequency: <0.001%). Predicted Consequence/Location: Missense variant None, the evidence of pathogenicity is insufficient at this time. Therefore, this variant is classified as VUS according to the recommendation of ACMG/AMP guideline.

Labcorp Genetics (formerly Invitae), Labcorp
Classification: Uncertain significance for Hereditary spastic paraplegia 39. Last evaluated: 2025-06-06. Review status: criteria provided, single submitter. Criteria: Invitae Variant Classification Sherloc (09022015). Collection method: clinical testing. Allele origin: germline.
Comment: This sequence change replaces arginine, which is basic and polar, with glycine, which is neutral and non-polar, at codon 1313 of the PNPLA6 protein (p.Arg1313Gly). This variant is not present in population databases (gnomAD no frequency). This variant has not been reported in the literature in individuals affected with PNPLA6-related conditions. Invitae Evidence Modeling of protein sequence and biophysical properties (such as structural, functional, and spatial information, amino acid conservation, physicochemical variation, residue mobility, and thermodynamic stability) has been performed for this missense variant. However, the output from this modeling did not meet the statistical confidence thresholds required to predict the impact of this variant on PNPLA6 protein function. In summary, the available evidence is currently insufficient to determine the role of this variant in disease. Therefore, it has been classified as a Variant of Uncertain Significance.

NM_001166114.2(PNPLA6):c.4051C>G (p.Arg1351Gly)

Gene: PNPLA6 (patatin like domain 6, lysophospholipase; plus strand). Cytogenetic location: 19p13.2.
Variant type: single nucleotide variant.
Coding change: c.4051C>G on transcript NM_001166114.2 (MANE Select); coding-DNA position 4051, C replaced by G.
Protein change: p.Arg1351Gly; replaces arginine 1351 with glycine.
Molecular consequence: missense variant.
Genome position (GRCh38, 1-based): chr19:7,561,515, C>G. VCF-style: chr19-7561515-C-G. GRCh37 (hg19) VCF-style: chr19-7626401-C-G.
Other names: c.4081C>G, p.Arg1361Gly (NM_001166111.2); c.3856C>G, p.Arg1286Gly (NM_001166112.2); c.3937C>G, p.Arg1313Gly (NM_001166113.1, NM_006702.5); short protein forms R1351G, R1361G, R1286G, R1313G.
Identifiers: ClinVar variation 4749755 (VCV004749755.2).